The following is an entry in ClinVar:

ClinVar aggregate classification (germline): Uncertain significance (1 of 4 stars; one submission).

Conditions:
Inborn genetic diseases. Identifiers: MedGen C0950123, MeSH D030342.

Allele frequency attached by ClinVar (database versions not stated): gnomAD exomes below 0.00001; TOPMed below 0.00001; gnomAD 0.00001.
gnomAD v4.1: 2 of 1,614,078 alleles (0.00012%); highest among the groups gnomAD compares: African/African-American, 0.0013%; no homozygotes.

Submission:

Ambry Genetics
Classification: Uncertain significance for Inborn genetic diseases. Last evaluated: 2019-06-24. Review status: criteria provided, single submitter. Criteria: Ambry Variant Classification Scheme 2023. Collection method: clinical testing. Allele origin: germline.
Comment: The p.K224R variant (also known as c.671A>G), located in coding exon 3 of the ADNP gene, results from an A to G substitution at nucleotide position 671. The lysine at codon 224 is replaced by arginine, an amino acid with highly similar properties. This amino acid position is highly conserved in available vertebrate species. In addition, the in silico prediction for this alteration is inconclusive. Since supporting evidence is limited at this time, the clinical significance of this alteration remains unclear.

NM_001282531.3(ADNP):c.671A>G (p.Lys224Arg)

Gene: ADNP (activity dependent neuroprotector homeobox; minus strand). Cytogenetic location: 20q13.13.
Variant type: single nucleotide variant.
Coding change: c.671A>G on transcript NM_001282531.3 (MANE Select); coding-DNA position 671, A replaced by G.
Protein change: p.Lys224Arg; replaces lysine 224 with arginine.
Molecular consequence: missense variant.
Genome position (GRCh38, 1-based): chr20:50,894,043, T>C on the plus strand (A>G on the coding strand, the complement: ADNP is on the minus strand). VCF-style: chr20-50894043-T-C. GRCh37 (hg19) VCF-style: chr20-49510580-T-C.
Other names: c.671A>G, p.Lys224Arg (NM_001282532.2, NM_001347511.2, NM_015339.5 and 1 more transcripts); short protein forms K224R.
Identifiers: ClinVar variation 1755078 (VCV001755078.2), dbSNP rs1981121891, ClinGen allele CA408976803.